The following is an entry in ClinVar:

ClinVar aggregate classification (germline): Uncertain significance. Review status: criteria provided, single submitter (1 of 4 stars). 2 submissions from 2 submitters: Uncertain significance (1). 1 of the submissions does not count toward it. Last evaluated 2024-11-19.

Conditions:
Blue color blindness. Also called: BLUE COLORBLINDNESS; Tritanomaly; COLORBLINDNESS, TRITAN; COLORBLINDNESS, TRITANOPIC. Identifiers: Orphanet 88629, MedGen C0155017, MONDO:0008610, OMIM 190900, HP:0000552.

Allele frequency attached by ClinVar (database versions not stated): ExAC 0.00002; gnomAD 0.00004 and 0.00003; TOPMed 0.00006; gnomAD exomes 0.00009 and 0.00003.

Submissions (2):

Labcorp Genetics (formerly Invitae), Labcorp
Classification: Uncertain significance. Last evaluated: 2024-11-19. Review status: criteria provided, single submitter. Criteria: Invitae Variant Classification Sherloc (09022015). Collection method: clinical testing. Allele origin: germline.
Comment: This sequence change replaces proline, which is neutral and non-polar, with serine, which is neutral and polar, at codon 264 of the OPN1SW protein (p.Pro264Ser). This variant is present in population databases (rs104894033, gnomAD 0.005%). This missense change has been observed in individuals with retinitis pigementosa and/or tritanopia (PMID: 1386496, 31816670). ClinVar contains an entry for this variant (Variation ID: 64). An algorithm developed to predict the effect of missense changes on protein structure and function (PolyPhen-2) suggests that this variant is likely to be disruptive. In summary, the available evidence is currently insufficient to determine the role of this variant in disease. Therefore, it has been classified as a Variant of Uncertain Significance.

OMIM
Classification: Pathogenic for TRITANOPIA. Last evaluated: 1992-08-01. Review status: no assertion criteria provided. Collection method: literature only. Allele origin: germline. Not counted in ClinVar's aggregate classification.

Literature cited by the submitters: PubMed 1386496 (cited by Labcorp Genetics (formerly Invitae), Labcorp and OMIM); PubMed 31816670 (cited by Labcorp Genetics (formerly Invitae), Labcorp); PubMed 2937147 (cited by OMIM).

NC_000007.14:g.128773786G>A

Gene: OPN1SW (opsin 1, short wave sensitive; minus strand). Cytogenetic location: 7q32.1.
Variant type: single nucleotide variant.
Genome position: GRCh38 VCF-style: chr7-128773786-G-A. GRCh37 (hg19) VCF-style: chr7-128413840-G-A.
Other names: P264S.
Identifiers: ClinVar variation 64 (VCV000000064.5), dbSNP rs104894033, ClinGen allele CA113831.